The following is an entry in ClinVar:

NM_017882.3(CLN6):c.896_918dup (p.Val307fs)

Gene: CLN6 (CLN6 transmembrane ER protein; minus strand). Cytogenetic location: 15q23.
Variant type: Duplication.
Coding change: c.896_918dup on transcript NM_017882.3 (MANE Select); coding-DNA positions 896 to 918, 23 bases duplicated (CCTGGGCTTTCTACACCCTTCAC).
Protein change: p.Val307fs; shifts the reading frame from valine 307.
Molecular consequence: frameshift variant.
Genome position (GRCh38, 1-based): chr15:68,208,158-68,208,180, GTGAAGGGTGTAGAAAGCCCAGG duplicated on the plus strand (CCTGGGCTTTCTACACCCTTCAC on the coding strand, the reverse complement: CLN6 is on the minus strand); duplicating any 23 consecutive bases within chr15:68,208,158-68,208,181 gives the same sequence; the c. name uses the placement nearest the transcript's 3' end. VCF-style (leftmost placement, unchanged base first): chr15-68208157-C-CGTGAAGGGTGTAGAAAGCCCAGG. GRCh37 (hg19) VCF-style: chr15-68500495-C-CGTGAAGGGTGTAGAAAGCCCAGG.
Other names: c.992_1014dup, p.Val339fs (NM_001411068.1); short protein forms V307fs, V339fs.
Identifiers: ClinVar variation 5004623 (VCV005004623.1).

ClinVar aggregate classification (germline): Uncertain significance (1 of 4 stars; one submission).

Conditions:
Neuronal ceroid lipofuscinosis. Also called: Neuronal Ceroid Lipofuscinoses. Identifiers: Orphanet 216, Orphanet 79263, MedGen C0027877, MONDO:0016295. Disease mechanism: loss of function.

Submission:

Myriad Genetics, Inc.
Classification: Uncertain significance for Neuronal ceroid lipofuscinosis. Last evaluated: 2026-04-24. Review status: criteria provided, single submitter. Criteria: Myriad Autosomal Dominant, Autosomal Recessive and X-Linked Classification Criteria (2023). Collection method: clinical testing. Allele origin: unknown.
Comment: NM_017882.2(CLN6):c.896_918dup23(V307Pfs*51) is a readthrough frameshift variant classified as a variant of uncertain significance in the context of neuronal ceroid lipofuscinosis, CLN6-related. V307Pfs*51 has not been observed in cases with relevant disease. Relevant functional assessments of this variant are not available in the literature. V307Pfs*51 has not been observed in referenced population frequency databases. In summary, there is insufficient evidence to classify NM_017882.2(CLN6):c.896_918dup23(V307Pfs*51) as pathogenic or benign. Please note: this variant was assessed in the context of healthy population screening.